The following is an entry in ClinVar:

NM_001854.4(COL11A1):c.2485_2486insAAG (p.Ser828_Gly829insGlu)

Gene: COL11A1 (collagen type XI alpha 1 chain; minus strand). Cytogenetic location: 1p21.1.
Variant type: Insertion.
Coding change: c.2485_2486insAAG on transcript NM_001854.4 (MANE Select); coding-DNA positions 2485 to 2486, AAG inserted.
Protein change: p.Ser828_Gly829insGlu.
Molecular consequence: inframe insertion. On other transcripts: non-coding transcript variant (1).
Genome position: GRCh38 VCF-style: chr1-102987649-C-CCTT. GRCh37 (hg19) VCF-style: chr1-103453205-C-CCTT.
Other names: c.2368_2369insAAG, p.Ser789_Gly790insGlu (NM_001190709.2); c.2521_2522insAAG, p.Ser840_Gly841insGlu (NM_080629.3); c.2137_2138insAAG, p.Ser712_Gly713insGlu (NM_080630.4).
Identifiers: ClinVar variation 503856 (VCV000503856.2), dbSNP rs1553227204, ClinGen allele CA658795495.
Genomic context (GRCh38, chr1:102,987,649, plus strand): 5'-CATCAGCTGCAAGAGTACCAGTGAATTTAAAGTCATTTACCAACCTTTTCTCCTGCTTGA[C>CCTT]CTGAAGGACCTGGGTCTCCAGTTGGGCCTGCTCGACCTTTGGGTCCTTCAGGGCCATCTT-3'

ClinVar aggregate classification (germline): Likely pathogenic (1 of 4 stars; one submission).

Submission:

GeneDx
Classification: Likely pathogenic. Last evaluated: 2017-11-17. Review status: criteria provided, single submitter. Criteria: GeneDx Variant Classification (06012015). Collection method: clinical testing. Allele origin: germline. Affected: yes.
Comment: The c.2485_2486insAAG variant in the COL11A1 gene has not been reported previously as a pathogenic variant nor as a benign variant, to our knowledge. This variant causes an in-frame insertion of a Glutamic acid residue, denoted p.Ser282_Gly829insGlu. The c.2485_2486insAAG variant is not observed in large population cohorts (Lek et al., 2016). In-silico analyses, including protein predictors and evolutionary conservation, support a deleterious effect. We interpret c.2485_2486insAAG as a likely pathogenic variant.